The following is an entry in ClinVar:

NM_207111.4(RNF216):c.2061+4G>A

Gene: RNF216 (ring finger protein 216; minus strand). Cytogenetic location: 7p22.1.
Variant type: single nucleotide variant.
Coding change: c.2061+4G>A on transcript NM_207111.4 (MANE Select); 4 bases into the intron after coding-DNA position 2061, G replaced by A.
Molecular consequence: intron variant.
Genome position (GRCh38, 1-based): chr7:5,711,757, C>T on the plus strand (G>A on the coding strand, the complement: RNF216 is on the minus strand). VCF-style: chr7-5711757-C-T. GRCh37 (hg19) VCF-style: chr7-5751388-C-T.
Other names: c.1890+4G>A (NM_207116.3, NM_001377156.1).
Identifiers: ClinVar variation 4820045 (VCV004820045.1).

ClinVar aggregate classification (germline): Likely benign (1 of 4 stars; one submission).

Conditions:
Cerebellar ataxia-hypogonadism syndrome. Also called: Gordon Holmes syndrome; CEREBELLAR ATAXIA AND HYPOGONADOTROPIC HYPOGONADISM; LHRH DEFICIENCY AND ATAXIA; Luteinizing hormone releasing hormone, deficiency of with ataxia; Cerebellar ataxia hypogonadotropic hypogonadism. Identifiers: Orphanet 1173, MedGen C1859305, MONDO:0008935, OMIM 212840.

gnomAD v4.1: 34 of 1,611,748 alleles (0.0021%); highest among the groups gnomAD compares: South Asian, 0.035%; no homozygotes.

Submission:

Centre for Medical Genetics,  Mumbai
Classification: Likely benign for Cerebellar ataxia-hypogonadism syndrome. Last evaluated: 2026-03-26. Review status: criteria provided, single submitter. Criteria: ACMG Guidelines, 2015. Collection method: provider interpretation. Allele origin: germline. Inheritance: Autosomal recessive inheritance. Affected: no. Observed: 1 variant allele, 1 homozygote.
Comment: The variant satisfies PM2 criteria; Extremely low frequency in gnomAD population databases. The variant satisfies BP4 criteria; For a missense or a splice region variant, computational prediction tools unanimously support a benign effect on the gene. However, the variant satisfies BS2 criteria.

Literature cited by the submitters: PubMed 23656588.